The following is an entry in ClinVar:

NM_001854.4(COL11A1):c.2044-5G>A

Gene: COL11A1 (collagen type XI alpha 1 chain; minus strand). Cytogenetic location: 1p21.1.
Variant type: single nucleotide variant.
Coding change: c.2044-5G>A on transcript NM_001854.4 (MANE Select); 5 bases into the intron before coding-DNA position 2044, G replaced by A.
Molecular consequence: intron variant.
Genome position (GRCh38, 1-based): chr1:103,002,486, C>T on the plus strand (G>A on the coding strand, the complement: COL11A1 is on the minus strand). VCF-style: chr1-103002486-C-T. GRCh37 (hg19) VCF-style: chr1-103468042-C-T.
Other names: c.1927-5G>A (NM_001190709.2); c.2080-5G>A (NM_080629.3); c.1696-5G>A (NM_080630.4).
Identifiers: ClinVar variation 2135120 (VCV002135120.4), dbSNP rs2101831010, ClinGen allele CA2580060745.
Genomic context (GRCh38, chr1:103,002,486, plus strand): 5'-ACCTGAGGTCCTGGATTCCCTTGTTGACCTGGAGGCCCAGGCTCCCCTTGGGGACCCTGC[C>T]AGAGGAAAATATAAAAAGTTTTTAATGGGCTATATTACACAATAGATTTTTGTTCTTCTC-3'

ClinVar aggregate classification (germline): Uncertain significance (1 of 4 stars; one submission).

Submission:

Labcorp Genetics (formerly Invitae), Labcorp
Classification: Uncertain significance. Last evaluated: 2022-05-07. Review status: criteria provided, single submitter. Criteria: Invitae Variant Classification Sherloc (09022015). Collection method: clinical testing. Allele origin: germline.
Comment: This variant is not present in population databases (gnomAD no frequency). In summary, the available evidence is currently insufficient to determine the role of this variant in disease. Therefore, it has been classified as a Variant of Uncertain Significance. Algorithms developed to predict the effect of sequence changes on RNA splicing suggest that this variant may create or strengthen a splice site. This variant has not been reported in the literature in individuals affected with COL11A1-related conditions. This sequence change falls in intron 22 of the COL11A1 gene. It does not directly change the encoded amino acid sequence of the COL11A1 protein.